The following is an entry in ClinVar:

NM_000368.5(TSC1):c.694G>A (p.Glu232Lys)

Gene: TSC1 (TSC complex subunit 1; minus strand). Cytogenetic location: 9q34.13.
Variant type: single nucleotide variant.
Coding change: c.694G>A on transcript NM_000368.5 (MANE Select); coding-DNA position 694, G replaced by A.
Protein change: p.Glu232Lys; replaces glutamic acid 232 with lysine.
Molecular consequence: missense variant.
Genome position (GRCh38, 1-based): chr9:132,921,406, C>T on the plus strand (G>A on the coding strand, the complement: TSC1 is on the minus strand). VCF-style: chr9-132921406-C-T. GRCh37 (hg19) VCF-style: chr9-135796793-C-T.
Other names: c.694G>A, p.Glu232Lys (NM_001162426.2); c.541G>A, p.Glu181Lys (NM_001162427.2); c.331G>A, p.Glu111Lys (NM_001362177.2); short protein forms E111K, E232K, E181K.
Identifiers: ClinVar variation 1378285 (VCV001378285.8), dbSNP rs118203429, ClinGen allele CA375371398.

ClinVar aggregate classification (germline): Uncertain significance (1 of 4 stars; one submission).

Conditions:
Tuberous sclerosis 1 (TSC1). Identifiers: Orphanet 805, MedGen C1854465, MONDO:0008612, OMIM 191100.

Submission:

Labcorp Genetics (formerly Invitae), Labcorp
Classification: Uncertain significance for Tuberous sclerosis 1. Last evaluated: 2021-03-11. Review status: criteria provided, single submitter. Criteria: Invitae Variant Classification Sherloc (09022015). Collection method: clinical testing. Allele origin: germline.
Comment: This sequence change replaces glutamic acid with lysine at codon 232 of the TSC1 protein (p.Glu232Lys). The glutamic acid residue is moderately conserved and there is a small physicochemical difference between glutamic acid and lysine. This variant is not present in population databases (ExAC no frequency). This variant has not been reported in the literature in individuals with TSC1-related conditions. Algorithms developed to predict the effect of missense changes on protein structure and function are either unavailable or do not agree on the potential impact of this missense change (SIFT: "Tolerated"; PolyPhen-2: "Probably Damaging"; Align-GVGD: "Class C0"). In summary, the available evidence is currently insufficient to determine the role of this variant in disease. Therefore, it has been classified as a Variant of Uncertain Significance.